The following is an entry in ClinVar:

ClinVar aggregate classification (germline): Benign/Likely benign. Review status: criteria provided, single submitter (1 of 4 stars). 2 submissions from 1 submitter: Benign (1); Likely benign (1). Last evaluated 2018-01-12.

Conditions:
Mitochondrial complex I deficiency, nuclear type 1. Also called: NADH-COENZYME Q REDUCTASE DEFICIENCY; MITOCHONDRIAL NADH DEHYDROGENASE COMPONENT OF COMPLEX I, DEFICIENCY OF. Identifiers: MedGen C6022305, MONDO:0100224, OMIM 252010.
Leigh syndrome (NULS). Also called: Leigh Disease; Subacute necrotizing encephalopathy; Necrotizing encephalopathy infantile subacute of Leigh; LEIGH SYNDROME, NUCLEAR; Leigh's syndrome; Leigh's necrotizing encephalopathy. Identifiers: Orphanet 506, MedGen C2931891, MONDO:0009723, OMIM 256000.

Allele frequency attached by ClinVar (database versions not stated): gnomAD exomes 0.00107; gnomAD 0.01128 and 0.01210; TOPMed 0.01295; 1000 Genomes Project 0.01358; 1000 Genomes Project 30x 0.01374.
gnomAD v4.1: 2,639 of 985,436 alleles (0.27%); highest among the groups gnomAD compares: African/African-American, 3.7%; 42 homozygotes.

Submissions (2):

Illumina Laboratory Services, Illumina
Classification: Benign for Leigh syndrome. Last evaluated: 2018-01-12. Review status: criteria provided, single submitter. Criteria: ICSL Variant Classification Criteria 13 December 2019. Collection method: clinical testing. Allele origin: germline.
Comment: This variant was observed in the ICSL laboratory as part of a predisposition screen in an ostensibly healthy population. It had not been previously curated by ICSL or reported in the Human Gene Mutation Database (HGMD: prior to June 1st, 2018), and was therefore a candidate for classification through an automated scoring system. Utilizing variant allele frequency, disease prevalence and penetrance estimates, and inheritance mode, an automated score was calculated to assess if this variant is too frequent to cause the disease. Based on the score and internal cut-off values, a variant classified as benign is not then subjected to further curation. The score for this variant resulted in a classification of benign for this disease.

Illumina Laboratory Services, Illumina
Classification: Likely benign for Mitochondrial complex I deficiency, nuclear type 1. Last evaluated: 2018-01-12. Review status: criteria provided, single submitter. Criteria: ICSL Variant Classification Criteria 13 December 2019. Collection method: clinical testing. Allele origin: germline.
Comment: This variant was observed in the ICSL laboratory as part of a predisposition screen in an ostensibly healthy population. It had not been previously curated by ICSL or reported in the Human Gene Mutation Database (HGMD: prior to June 1st, 2018), and was therefore a candidate for classification through an automated scoring system. Utilizing variant allele frequency, disease prevalence and penetrance estimates, and inheritance mode, an automated score was calculated to assess if this variant is too frequent to cause the disease. Based on the score and internal cut-off values, a variant classified as likely benign is not then subjected to further curation. The score for this variant resulted in a classification of likely benign for this disease.

NM_004544.4(NDUFA10):c.*1217A>G

Gene: NDUFA10 (NADH:ubiquinone oxidoreductase subunit A10; minus strand). Cytogenetic location: 2q37.3.
Variant type: single nucleotide variant.
Coding change: c.*1217A>G on transcript NM_004544.4 (MANE Select); 1217 bases downstream of the stop codon, A replaced by G.
Molecular consequence: 3 prime UTR variant. On other transcripts: non-coding transcript variant (3).
Genome position (GRCh38, 1-based): chr2:239,959,901, T>C on the plus strand (A>G on the coding strand, the complement: NDUFA10 is on the minus strand). VCF-style: chr2-239959901-T-C. GRCh37 (hg19) VCF-style: chr2-240899318-T-C.
Other names: c.*1222A>G (NM_001322020.2).
Identifiers: ClinVar variation 895578 (VCV000895578.4), dbSNP rs116403651, ClinGen allele CA68048191.